The following is an entry in ClinVar:

NM_001142864.4(PIEZO1):c.7092C>A (p.Asn2364Lys)

Gene: PIEZO1 (piezo type mechanosensitive ion channel component 1 (Er blood group); minus strand). Cytogenetic location: 16q24.3.
Variant type: single nucleotide variant.
Coding change: c.7092C>A on transcript NM_001142864.4 (MANE Select); coding-DNA position 7092, C replaced by A.
Protein change: p.Asn2364Lys; replaces asparagine 2364 with lysine.
Molecular consequence: missense variant.
Genome position (GRCh38, 1-based): chr16:88,716,235, G>T on the plus strand (C>A on the coding strand, the complement: PIEZO1 is on the minus strand). VCF-style: chr16-88716235-G-T. GRCh37 (hg19) VCF-style: chr16-88782643-G-T.
Other names: short protein forms N2364K.
Identifiers: ClinVar variation 1675641 (VCV001675641.33), dbSNP rs953643803, ClinGen allele CA397073636.
Genomic context (GRCh38, chr16:88,716,235, plus strand): 5'-CCAACCCCCACGCCCATACTCACTGGGCTGCAGCTGCTTCACAGGGTTGGCTTCGGGCCC[G>T]TTGGGGGCACGGATGTACTTGGGGAAGAGATTAGGGATGACCCTGCAGGGAGGTGCTGGC-3'
Protein context (NP_001136336.2, residues 2354-2374): NLFPKYIRAP[Asn2364Lys]GPEANPVKQL

ClinVar aggregate classification (germline): Uncertain significance (1 of 4 stars; one submission).

gnomAD v4.1: 1 of 1,496,994 alleles (0.000067%); highest among the groups gnomAD compares: Non-Finnish European, 0.000089%; no homozygotes.

Submission:

CeGaT Center for Human Genetics Tuebingen
Classification: Uncertain significance. Last evaluated: 2022-03-01. Review status: criteria provided, single submitter. Criteria: CeGaT Center For Human Genetics Tuebingen Variant Classification Criteria Version 2. Collection method: clinical testing. Allele origin: germline. Affected: yes. Observed: 1 variant allele.
Comment: PIEZO1: PM2